The following is an entry in ClinVar:

ClinVar aggregate classification (germline): Pathogenic/Likely pathogenic. Review status: criteria provided, multiple submitters, no conflicts (2 of 4 stars). 2 submissions from 2 submitters: Pathogenic (1); Likely pathogenic (1). Last evaluated 2019-11-06.

Conditions:
Marfan syndrome (MFS). Also called: MARFAN SYNDROME, TYPE I; FBN1-Related Marfan Syndrome; Marfan syndrome type 1; Marfan's syndrome; Marfan syndrome, classic. Identifiers: Orphanet 284963, Orphanet 558, MedGen C0024796, MONDO:0007947, OMIM 154700.
Familial thoracic aortic aneurysm and aortic dissection (TAAD). Also called: Thoracic aortic aneurysms and dissections. Identifiers: Orphanet 91387, MedGen C4707243, MONDO:0019625.

Allele frequency attached by ClinVar (database versions not stated): gnomAD exomes below 0.00001.
gnomAD v4.1: 1 of 1,612,552 alleles (0.000062%); highest among the groups gnomAD compares: Non-Finnish European, 0.000085%; no homozygotes.

Submissions (2):

Labcorp Genetics (formerly Invitae), Labcorp
Classification: Likely pathogenic for Marfan syndrome; Familial thoracic aortic aneurysm and aortic dissection. Last evaluated: 2019-11-06. Review status: criteria provided, single submitter. Criteria: Invitae Variant Classification Sherloc (09022015). Collection method: clinical testing. Allele origin: germline.
Comment: This variant has not been reported in the literature in individuals with FBN1-related conditions. ClinVar contains an entry for this variant (Variation ID: 684790). This variant is not present in population databases (ExAC no frequency). This sequence change replaces cysteine with tyrosine at codon 1889 of the FBN1 protein (p.Cys1889Tyr). The cysteine residue is highly conserved and there is a large physicochemical difference between cysteine and tyrosine. Algorithms developed to predict the effect of missense changes on protein structure and function are either unavailable or do not agree on the potential impact of this missense change (SIFT: "Tolerated"; PolyPhen-2: "Probably Damaging"; Align-GVGD: "Class C0"). This variant affects a cysteine residue in the EGF-like, TGFBP or hybrid motif domains of FBN1. Cysteine residues are believed to be involved in intramolecular disulfide bridges and have been shown to be important for FBN1 protein structure (PMID: 16905551, 19349279). In addition, missense substitutions affecting cysteine residues within these domains are significantly overrepresented among patients with Marfan syndrome (PMID: 16571647, 17701892). In summary, the currently available evidence indicates that the variant is pathogenic, but additional data are needed to prove that conclusively. Therefore, this variant has been classified as Likely Pathogenic. This variant disrupts the p.Cys1889 amino acid residue in FBN1. Other variant(s) that disrupt this residue have been observed in individuals with FBN1-related conditions (PMID: 19293843, 19863550), which suggests that this may be a clinically significant amino acid residue.

Molecular Diagnostic Laboratory for Inherited Cardiovascular Disease, Montreal Heart Institute
Classification: Pathogenic. Review status: criteria provided, single submitter. Criteria: ACMG Guidelines, 2015. Collection method: clinical testing. Allele origin: germline. Affected: yes.

Literature cited by the submitters: PubMed 16905551 (cited by Labcorp Genetics (formerly Invitae), Labcorp); PubMed 19349279 (cited by Labcorp Genetics (formerly Invitae), Labcorp); PubMed 16571647 (cited by Labcorp Genetics (formerly Invitae), Labcorp); PubMed 17701892 (cited by Labcorp Genetics (formerly Invitae), Labcorp); PubMed 19293843 (cited by Labcorp Genetics (formerly Invitae), Labcorp); PubMed 19863550 (cited by Labcorp Genetics (formerly Invitae), Labcorp).

NM_000138.5(FBN1):c.5666G>A (p.Cys1889Tyr)

Gene: FBN1 (fibrillin 1; minus strand). Cytogenetic location: 15q21.1.
Variant type: single nucleotide variant.
Coding change: c.5666G>A on transcript NM_000138.5 (MANE Select); coding-DNA position 5666, G replaced by A.
Protein change: p.Cys1889Tyr; replaces cysteine 1889 with tyrosine.
Molecular consequence: missense variant.
Genome position (GRCh38, 1-based): chr15:48,448,773, C>T on the plus strand (G>A on the coding strand, the complement: FBN1 is on the minus strand). VCF-style: chr15-48448773-C-T. GRCh37 (hg19) VCF-style: chr15-48740970-C-T.
Other names: short protein forms C1889Y.
Identifiers: ClinVar variation 684790 (VCV000684790.11), dbSNP rs1566899500, ClinGen allele CA392341661.
Genomic context (GRCh38, chr15:48,448,773, plus strand): 5'-ATCAAATGAAGCTTTCAACAGCATATGAAAAAAATAATAATAATTGCATACTTACCCAAG[C>T]ACATGGTTTGGTCATCATTTGTTTTAAAACCAGTGTGGCAAAGGCAATAAAAGCTTCCAA-3'
Protein context (NP_000129.3, residues 1879-1899): GFKTNDDQTM[Cys1889Tyr]LDINECERDA